The following is an entry in ClinVar:

ClinVar aggregate classification (germline): Uncertain significance (1 of 4 stars; one submission).

gnomAD v4.1: 1 of 1,573,590 alleles (0.000064%); highest among the groups gnomAD compares: Non-Finnish European, 0.000086%; no homozygotes.

Submission:

CeGaT Center for Human Genetics Tuebingen
Classification: Uncertain significance. Last evaluated: 2023-09-01. Review status: criteria provided, single submitter. Criteria: CeGaT Center For Human Genetics Tuebingen Variant Classification Criteria Version 2. Collection method: clinical testing. Allele origin: germline. Affected: yes. Observed: 1 variant allele.
Comment: ISCA2: PM2, BP4

NM_194279.4(ISCA2):c.125G>T (p.Ser42Ile)

Gene: ISCA2 (iron-sulfur cluster assembly 2; plus strand). Cytogenetic location: 14q24.3.
Variant type: single nucleotide variant.
Coding change: c.125G>T on transcript NM_194279.4 (MANE Select); coding-DNA position 125, G replaced by T.
Protein change: p.Ser42Ile; replaces serine 42 with isoleucine.
Molecular consequence: missense variant.
Genome position (GRCh38, 1-based): chr14:74,494,103, G>T. VCF-style: chr14-74494103-G-T. GRCh37 (hg19) VCF-style: chr14-74960806-G-T.
Other names: c.125G>T, p.Ser42Ile (NM_001272007.2); short protein forms S42I.
Identifiers: ClinVar variation 2582923 (VCV002582923.25), dbSNP rs749217402, ClinGen allele CA390377922.